The following is an entry in ClinVar:

NM_014324.6(AMACR):c.1126A>T (p.Asn376Tyr)

Genes: AMACR (alpha-methylacyl-CoA racemase; minus strand), C1QTNF3-AMACR (C1QTNF3-AMACR readthrough (NMD candidate); minus strand). Cytogenetic location: 5p13.2.
Variant type: single nucleotide variant.
Coding change: c.1126A>T on transcript NM_014324.6 (MANE Select); coding-DNA position 1126, A replaced by T.
Protein change: p.Asn376Tyr; replaces asparagine 376 with tyrosine.
Molecular consequence: missense variant. On other transcripts: non-coding transcript variant (1), 3 prime UTR variant (1).
Genome position (GRCh38, 1-based): chr5:33,989,116, T>A on the plus strand (A>T on the coding strand, the complement: AMACR is on the minus strand). VCF-style: chr5-33989116-T-A. GRCh37 (hg19) VCF-style: chr5-33989221-T-A.
Other names: c.1126A>T, p.Asn376Tyr (NM_001167595.2); c.*368A>T (NM_203382.3); short protein forms N376Y.
Identifiers: ClinVar variation 2104912 (VCV002104912.1), dbSNP rs2478950622, ClinGen allele CA359398575.

ClinVar aggregate classification (germline): Uncertain significance (1 of 4 stars; one submission).

Conditions:
Alpha-methylacyl-CoA racemase deficiency (AMACRD). Also called: AMACR deficiency. Identifiers: Orphanet 79095, MedGen C3280428, MONDO:0013681, OMIM 614307. Disease mechanism: loss of function.

Submission:

Labcorp Genetics (formerly Invitae), Labcorp
Classification: Uncertain significance for Alpha-methylacyl-CoA racemase deficiency. Last evaluated: 2022-07-06. Review status: criteria provided, single submitter. Criteria: Invitae Variant Classification Sherloc (09022015). Collection method: clinical testing. Allele origin: germline.
Comment: This sequence change replaces asparagine, which is neutral and polar, with tyrosine, which is neutral and polar, at codon 376 of the AMACR protein (p.Asn376Tyr). This variant is not present in population databases (gnomAD no frequency). This variant has not been reported in the literature in individuals affected with AMACR-related conditions. Algorithms developed to predict the effect of missense changes on protein structure and function output the following: SIFT: "Tolerated"; PolyPhen-2: "Benign"; Align-GVGD: "Class C0". The tyrosine amino acid residue is found in multiple mammalian species, which suggests that this missense change does not adversely affect protein function. In summary, the available evidence is currently insufficient to determine the role of this variant in disease. Therefore, it has been classified as a Variant of Uncertain Significance.